The following is an entry in ClinVar:

NM_017514.5(PLXNA3):c.3216C>T (p.Ile1072=)

Gene: PLXNA3 (plexin A3; plus strand). Cytogenetic location: Xq28.
Variant type: single nucleotide variant.
Coding change: c.3216C>T on transcript NM_017514.5 (MANE Select); coding-DNA position 3216, C replaced by T.
Protein change: p.Ile1072=; no amino-acid change (isoleucine 1072 retained).
Molecular consequence: synonymous variant.
Genome position (GRCh38, 1-based): chrX:154,467,246, C>T. VCF-style: chrX-154467246-C-T. GRCh37 (hg19) VCF-style: chrX-153695589-C-T.
Identifiers: ClinVar variation 3029966 (VCV003029966.2), dbSNP rs782120298, ClinGen allele CA10564590.

ClinVar aggregate classification (germline): Likely benign (0 of 4 stars; one submission).

Conditions:
PLXNA3-related disorder. Also called: PLXNA3-related condition.

Allele frequency attached by ClinVar (database versions not stated): ExAC 0.00001; gnomAD 0.00001; gnomAD exomes 0.00001.
gnomAD v4.1: 10 of 1,209,122 alleles (0.00083%); highest among the groups gnomAD compares: Non-Finnish European, 0.0011%; no homozygotes.

Submission:

PreventionGenetics, part of Exact Sciences
Classification: Likely benign for PLXNA3-related condition. Last evaluated: 2021-06-17. Review status: no assertion criteria provided. Collection method: clinical testing. Allele origin: germline.
Comment: This variant is classified as likely benign based on ACMG/AMP sequence variant interpretation guidelines (Richards et al. 2015 PMID: 25741868, with internal and published modifications).